The following is an entry in ClinVar:

NM_003872.3(NRP2):c.798G>A (p.Leu266=)

Gene: NRP2 (neuropilin 2; plus strand). Cytogenetic location: 2q33.3.
Variant type: single nucleotide variant.
Coding change: c.798G>A on transcript NM_003872.3 (MANE Select); coding-DNA position 798, G replaced by A.
Protein change: p.Leu266=; no amino-acid change (leucine 266 retained).
Molecular consequence: synonymous variant.
Genome position (GRCh38, 1-based): chr2:205,723,918, G>A. VCF-style: chr2-205723918-G-A. GRCh37 (hg19) VCF-style: chr2-206588642-G-A.
Other names: c.798G>A, p.Leu266= (NM_018534.4, NM_201264.2, NM_201266.2 and 2 more transcripts).
Identifiers: ClinVar variation 4991427 (VCV004991427.1).

ClinVar aggregate classification (germline): Likely benign (1 of 4 stars; one submission).

Conditions:
NRP2-related disorder. Also called: NRP2-related condition.

Submission:

PreventionGenetics, part of Exact Sciences
Classification: Likely benign for NRP2-related condition. Last evaluated: 2026-09-01. Review status: criteria provided, single submitter. Criteria: ACMG Guidelines, 2015. Collection method: clinical testing. Allele origin: germline.
Comment: This variant is classified as likely benign based on ACMG/AMP sequence variant interpretation guidelines (Richards et al. 2015 PMID: 25741868, with internal and published modifications).